The following is an entry in ClinVar:

ClinVar aggregate classification (germline): Uncertain significance. Review status: criteria provided, multiple submitters, no conflicts (2 of 4 stars). 2 submissions from 2 submitters: Uncertain significance (2). Last evaluated 2024-09-18.

Conditions:
Hereditary cancer-predisposing syndrome. Also called: Hereditary Cancer Syndrome; Tumor predisposition; Neoplastic Syndromes, Hereditary; Hereditary neoplastic syndrome. Identifiers: Orphanet 140162, MedGen C0027672, MeSH D009386, MONDO:0015356.
Hereditary nonpolyposis colorectal neoplasms. Identifiers: MedGen C0009405, MeSH D003123.

Submissions (2):

Ambry Genetics
Classification: Uncertain significance for Hereditary cancer-predisposing syndrome. Last evaluated: 2024-09-18. Review status: criteria provided, single submitter. Criteria: Ambry Variant Classification Scheme 2023. Collection method: clinical testing. Allele origin: germline.
Comment: The p.A650T variant (also known as c.1948G>A), located in coding exon 11 of the PMS2 gene, results from a G to A substitution at nucleotide position 1948. The alanine at codon 650 is replaced by threonine, an amino acid with similar properties. This amino acid position is conserved. In addition, the in silico prediction for this alteration is inconclusive. Based on the available evidence, the clinical significance of this variant remains unclear.

Labcorp Genetics (formerly Invitae), Labcorp
Classification: Uncertain significance for Hereditary nonpolyposis colorectal neoplasms. Last evaluated: 2023-07-26. Review status: criteria provided, single submitter. Criteria: Invitae Variant Classification Sherloc (09022015). Collection method: clinical testing. Allele origin: germline.
Comment: This variant has not been reported in the literature in individuals affected with PMS2-related conditions. This variant is not present in population databases (gnomAD no frequency). This sequence change replaces alanine, which is neutral and non-polar, with threonine, which is neutral and polar, at codon 650 of the PMS2 protein (p.Ala650Thr). Advanced modeling of protein sequence and biophysical properties (such as structural, functional, and spatial information, amino acid conservation, physicochemical variation, residue mobility, and thermodynamic stability) performed at Invitae indicates that this missense variant is expected to disrupt PMS2 protein function. ClinVar contains an entry for this variant (Variation ID: 1013795). In summary, the available evidence is currently insufficient to determine the role of this variant in disease. Therefore, it has been classified as a Variant of Uncertain Significance.

NM_000535.7(PMS2):c.1948G>A (p.Ala650Thr)

Gene: PMS2 (PMS1 homolog 2, mismatch repair system component; minus strand). Cytogenetic location: 7p22.1.
Variant type: single nucleotide variant.
Coding change: c.1948G>A on transcript NM_000535.7 (MANE Select); coding-DNA position 1948, G replaced by A.
Protein change: p.Ala650Thr; replaces alanine 650 with threonine.
Molecular consequence: missense variant. On other transcripts: non-coding transcript variant (1).
Genome position (GRCh38, 1-based): chr7:5,986,817, C>T on the plus strand (G>A on the coding strand, the complement: PMS2 is on the minus strand). VCF-style: chr7-5986817-C-T. GRCh37 (hg19) VCF-style: chr7-6026448-C-T.
Other names: c.1543G>A, p.Ala515Thr (NM_001322003.2, NM_001322004.2, NM_001322005.2 and 1 more transcripts); c.1792G>A, p.Ala598Thr (NM_001322006.2); c.1630G>A, p.Ala544Thr (NM_001322007.2, NM_001322008.2); c.1387G>A, p.Ala463Thr (NM_001322010.2); c.1015G>A, p.Ala339Thr (NM_001322011.2, NM_001322012.2); c.1375G>A, p.Ala459Thr (NM_001322013.2); c.1948G>A, p.Ala650Thr (NM_001322014.2); c.1639G>A, p.Ala547Thr (NM_001322015.2); and 1 more; short protein forms A339T, A459T, A463T, A515T, A544T, A547T, A598T, A650T.
Identifiers: ClinVar variation 1013795 (VCV001013795.9), dbSNP rs1782930647, ClinGen allele CA366739106.
Genomic context (GRCh38, chr7:5,986,817, plus strand): 5'-ACCTTATCTCTTTTCTTAGTTCATCTTCGGCTGCTTGATTTTCTCCAGGACAAATCTTTG[C>T]CCTAAACTTCCTGTAATTCTGTTCCCCTTCACTTTGCTGTGCTTCATGATGTAACTGCTT-3'
Protein context (NP_000526.2, residues 640-660): EGEQNYRKFR[Ala650Thr]KICPGENQAA